The following is an entry in ClinVar:

ClinVar aggregate classification (germline): not provided (0 of 4 stars; one submission).

Submission:

ITMI
No classification provided. Condition: AllHighlyPenetrant. Last evaluated: 2013-09-19. Review status: no classification provided. Collection method: reference population. Allele origin: germline.
Comment: Please see associated publication for description of ethnicities

Literature cited by the submitters: PubMed 24728327.

NM_005228.5(EGFR):c.2981_2983delinsGTG (p.Asp994_Ser995delinsGlyAla)

Gene: EGFR (epidermal growth factor receptor; plus strand). Cytogenetic location: 7p11.2.
Variant type: Indel.
Coding change: c.2981_2983delinsGTG on transcript NM_005228.5 (MANE Select); coding-DNA positions 2981 to 2983, ACT replaced by GTG.
Protein change: p.Asp994_Ser995delinsGlyAla.
Molecular consequence: missense variant.
Genome position (GRCh38, 1-based): chr7:55,201,222-55,201,224, ACT replaced by GTG. VCF-style: chr7-55201222-ACT-GTG. GRCh37 (hg19) VCF-style: chr7-55268915-ACT-GTG.
Other names: c.2846_2848delinsGTG, p.Asp949_Ser950delinsGlyAla (NM_001346897.2, NM_001346899.2); c.2981_2983delinsGTG, p.Asp994_Ser995delinsGlyAla (NM_001346898.2); c.2822_2824delinsGTG, p.Asp941_Ser942delinsGlyAla (NM_001346900.2); c.2180_2182delinsGTG, p.Asp727_Ser728delinsGlyAla (NM_001346941.2).
Identifiers: ClinVar variation 134028 (VCV000134028.1), dbSNP rs587778251, ClinGen allele CA158462.
Genomic context (GRCh38, chr7:55,201,222, plus strand): 5'-TAATAGCCTCAAAATCTCTGCACCAGGGGGATGAAAGAATGCATTTGCCAAGTCCTACAG[ACT>GTG]CCAACTTCTACCGTGCCCTGATGGATGAAGAAGACATGGACGACGTGGTGGATGCCGACG-3'